The following is an entry in ClinVar:

ClinVar aggregate classification (germline): Conflicting classifications of pathogenicity. Review status: criteria provided, conflicting classifications (1 of 4 stars). 3 submissions from 3 submitters: Uncertain significance (1); Likely benign (2). Last evaluated 2025-12-08.

Conditions:
Charcot-Marie-Tooth disease axonal type 2O. Also called: Charcot-Marie-Tooth disease, axonal, type 20; CHARCOT-MARIE-TOOTH NEUROPATHY, AXONAL, TYPE 2O; CHARCOT-MARIE-TOOTH DISEASE, AXONAL, AUTOSOMAL DOMINANT, TYPE 2O; Charcot-Marie-Tooth Neuropathy Type 2O. Identifiers: Orphanet 284232, MedGen C3280220, MONDO:0013644, OMIM 614228.
DYNC1H1-related disorder. Also called: DYNC1H1-related condition; DYNC1H1-related disorders. Identifiers: MedGen CN381529.

Allele frequency attached by ClinVar (database versions not stated): TOPMed 0.00001; gnomAD exomes 0.00002; ExAC 0.00003.
gnomAD v4.1: 20 of 1,613,694 alleles (0.0012%); highest among the groups gnomAD compares: South Asian, 0.0022%; no homozygotes.

Submissions (3):

Labcorp Genetics (formerly Invitae), Labcorp
Classification: Likely benign for Charcot-Marie-Tooth disease axonal type 2O. Last evaluated: 2025-12-08. Review status: criteria provided, single submitter. Criteria: Invitae Variant Classification Sherloc (09022015). Collection method: clinical testing. Allele origin: germline.

CeGaT Center for Human Genetics Tuebingen
Classification: Likely benign. Last evaluated: 2025-10-01. Review status: criteria provided, single submitter. Criteria: CeGaT Center For Human Genetics Tuebingen Variant Classification Criteria Version 2. Collection method: clinical testing. Allele origin: germline. Affected: yes. Observed: 1 variant allele.
Comment: DYNC1H1: BP4

PreventionGenetics, part of Exact Sciences
Classification: Uncertain significance for DYNC1H1-related condition. Last evaluated: 2025-03-17. Review status: criteria provided, single submitter. Criteria: ACMG Guidelines, 2015. Collection method: clinical testing. Allele origin: germline.
Comment: The DYNC1H1 c.13091C>T variant is predicted to result in the amino acid substitution p.Thr4364Met. To our knowledge, this variant has not been reported in the literature. This variant is reported in 0.0098% of alleles in individuals of South Asian descent in gnomAD. At this time, the clinical significance of this variant is uncertain due to the absence of conclusive functional and genetic evidence.

NM_001376.5(DYNC1H1):c.13091C>T (p.Thr4364Met)

Gene: DYNC1H1 (dynein cytoplasmic 1 heavy chain 1; plus strand). Cytogenetic location: 14q32.31.
Variant type: single nucleotide variant.
Coding change: c.13091C>T on transcript NM_001376.5 (MANE Select); coding-DNA position 13091, C replaced by T.
Protein change: p.Thr4364Met; replaces threonine 4364 with methionine.
Molecular consequence: missense variant.
Genome position (GRCh38, 1-based): chr14:102,047,901, C>T. VCF-style: chr14-102047901-C-T. GRCh37 (hg19) VCF-style: chr14-102514238-C-T.
Other names: c.13091C>T (NM_001376.4); short protein forms T4364M.
Identifiers: ClinVar variation 1436485 (VCV001436485.13), dbSNP rs750890352, ClinGen allele CA7354142.